The following is an entry in ClinVar:

NM_000435.3(NOTCH3):c.2742A>G (p.Pro914=)

Gene: NOTCH3 (notch receptor 3; minus strand). Cytogenetic location: 19p13.12.
Variant type: single nucleotide variant.
Coding change: c.2742A>G on transcript NM_000435.3 (MANE Select); coding-DNA position 2742, A replaced by G.
Protein change: p.Pro914=; no amino-acid change (proline 914 retained).
Molecular consequence: synonymous variant.
Genome position (GRCh38, 1-based): chr19:15,181,626, T>C on the plus strand (A>G on the coding strand, the complement: NOTCH3 is on the minus strand). VCF-style: chr19-15181626-T-C. GRCh37 (hg19) VCF-style: chr19-15292437-T-C.
Other names: p.Pro914=.
Identifiers: ClinVar variation 256130 (VCV000256130.34), dbSNP rs1043997, ClinGen allele CA9263290.
Genomic context (GRCh38, chr19:15,181,626, plus strand): 5'-CCCCGCCCACCTGGGGCTGCAGTCGGGCAGGTCCTGTTCGCAGTGGAAGCCTCCGTAGCC[T>C]GGCGGGCAGGTGCAGGTGAAGGAGGCCACGTGGTCGGTACAGGTGCCCGGGCCGCAGGGG-3'
Protein context (NP_000426.2, residues 904-924): HVASFTCTCP[Pro914=]GYGGFHCEQD

ClinVar aggregate classification (germline): Benign. Review status: criteria provided, multiple submitters, no conflicts (2 of 4 stars). 13 submissions from 12 submitters: Benign (10). 3 of the submissions do not count toward it. Last evaluated 2026-02-03.

Conditions:
Lateral meningocele syndrome (LMNS). Also called: NOTCH3-Related Lateral Meningocele Syndrome. Identifiers: Orphanet 2789, MedGen C1851710, MONDO:0007537, OMIM 130720.
Cerebral arteriopathy, autosomal dominant, with subcortical infarcts and leukoencephalopathy, type 1 (CADASIL1). Also called: CASIL; Cerebral arteriopathy with subcortical infarcts and leukoencephalopathy 1; DEMENTIA, HEREDITARY MULTIINFARCT TYPE; CADASIL 1. Identifiers: Orphanet 136, MedGen C4551768, MONDO:0000914, OMIM 125310.

Allele frequency attached by ClinVar (database versions not stated): 1000 Genomes Project 30x 0.73673; 1000 Genomes Project 0.73902; TOPMed 0.75602; gnomAD 0.76937 and 0.77270; ESP Exome Variant Server 0.79049; ExAC 0.80193; gnomAD exomes 0.80329 and 0.85409.
gnomAD v4.1: 1,310,373 of 1,551,032 alleles (84%); highest among the groups gnomAD compares: Non-Finnish European, 87%; 557,175 homozygotes.

Submissions (13):

Labcorp Genetics (formerly Invitae), Labcorp
Classification: Benign. Last evaluated: 2026-02-03. Review status: criteria provided, single submitter. Criteria: Invitae Variant Classification Sherloc (09022015). Collection method: clinical testing. Allele origin: germline.

Blueprint Genetics
Classification: Benign. Last evaluated: 2024-11-28. Review status: criteria provided, single submitter. Criteria: ACMG Guidelines, 2015. Collection method: clinical testing. Allele origin: germline.

Mayo Clinic Laboratories, Mayo Clinic
Classification: Benign. Last evaluated: 2022-04-26. Review status: criteria provided, single submitter. Criteria: ACMG Guidelines, 2015. Collection method: clinical testing. Allele origin: germline. Observed: 2,913 variant alleles.

Genome-Nilou Lab
Classification: Benign for Cerebral arteriopathy, autosomal dominant, with subcortical infarcts and leukoencephalopathy, type 1. Last evaluated: 2021-09-05. Review status: criteria provided, single submitter. Criteria: ACMG Guidelines, 2015. Collection method: clinical testing. Allele origin: germline. Affected: no.

Genome-Nilou Lab
Classification: Benign for Lateral meningocele syndrome. Last evaluated: 2021-09-05. Review status: criteria provided, single submitter. Criteria: ACMG Guidelines, 2015. Collection method: clinical testing. Allele origin: germline. Affected: no.

GeneDx
Classification: Benign. Last evaluated: 2021-04-16. Review status: criteria provided, single submitter. Criteria: GeneDx Variant Classification Process June 2021. Collection method: clinical testing. Allele origin: germline. Affected: yes.

ARUP Laboratories, Molecular Genetics and Genomics, ARUP Laboratories
Classification: Benign. Last evaluated: 2021-01-14. Review status: criteria provided, single submitter. Criteria: ARUP Molecular Germline Variant Investigation Process 2021. Collection method: clinical testing. Allele origin: germline.

Illumina Laboratory Services, Illumina
Classification: Benign for Cerebral arteriopathy, autosomal dominant, with subcortical infarcts and leukoencephalopathy, type 1. Last evaluated: 2018-01-12. Review status: criteria provided, single submitter. Criteria: ICSL Variant Classification Criteria 13 December 2019. Collection method: clinical testing. Allele origin: germline.
Comment: This variant was observed in the ICSL laboratory as part of a predisposition screen in an ostensibly healthy population. It had not been previously curated by ICSL or reported in the Human Gene Mutation Database (HGMD: prior to June 1st, 2018), and was therefore a candidate for classification through an automated scoring system. Utilizing variant allele frequency, disease prevalence and penetrance estimates, and inheritance mode, an automated score was calculated to assess if this variant is too frequent to cause the disease. Based on the score and internal cut-off values, a variant classified as benign is not then subjected to further curation. The score for this variant resulted in a classification of benign for this disease.

Breakthrough Genomics
Classification: Benign. Review status: criteria provided, single submitter. Criteria: ACMG Guidelines, 2015. Collection method: not provided. Allele origin: germline. Inheritance: Autosomal dominant inheritance. Affected: yes.

PreventionGenetics, part of Exact Sciences
Classification: Benign. Review status: criteria provided, single submitter. Criteria: ACMG Guidelines, 2015. Collection method: clinical testing. Allele origin: germline.

Clinical Genetics DNA and cytogenetics Diagnostics Lab, Erasmus MC, Erasmus Medical Center
Classification: Benign. Review status: no assertion criteria provided. Collection method: clinical testing. Allele origin: germline. Affected: yes. Study: VKGL Data-share Consensus. Not counted in ClinVar's aggregate classification.

Diagnostic Laboratory, Department of Genetics, University Medical Center Groningen
Classification: Benign. Review status: no assertion criteria provided. Collection method: clinical testing. Allele origin: germline. Affected: yes. Study: VKGL Data-share Consensus. Not counted in ClinVar's aggregate classification.

Genome Diagnostics Laboratory, Amsterdam University Medical Center
Classification: Benign. Review status: no assertion criteria provided. Collection method: clinical testing. Allele origin: germline. Affected: yes. Study: VKGL Data-share Consensus. Not counted in ClinVar's aggregate classification.